The following is an entry in ClinVar:

ClinVar aggregate classification (germline): Uncertain significance (1 of 4 stars; one submission).

gnomAD v4.1: 1 of 1,603,572 alleles (0.000062%); highest among the groups gnomAD compares: Non-Finnish European, 0.000085%; no homozygotes.

Submission:

Labcorp Genetics (formerly Invitae), Labcorp
Classification: Uncertain significance. Last evaluated: 2024-03-16. Review status: criteria provided, single submitter. Criteria: Invitae Variant Classification Sherloc (09022015). Collection method: clinical testing. Allele origin: germline.
Comment: This sequence change replaces serine, which is neutral and polar, with arginine, which is basic and polar, at codon 285 of the TOP2B protein (p.Ser285Arg). This variant is not present in population databases (gnomAD no frequency). This variant has not been reported in the literature in individuals affected with TOP2B-related conditions. An algorithm developed to predict the effect of missense changes on protein structure and function (PolyPhen-2) suggests that this variant is likely to be disruptive. In summary, the available evidence is currently insufficient to determine the role of this variant in disease. Therefore, it has been classified as a Variant of Uncertain Significance.

NM_001330700.2(TOP2B):c.868A>C (p.Ser290Arg)

Gene: TOP2B (DNA topoisomerase II beta; minus strand). Cytogenetic location: 3p24.2.
Variant type: single nucleotide variant.
Coding change: c.868A>C on transcript NM_001330700.2 (MANE Select); coding-DNA position 868, A replaced by C.
Protein change: p.Ser290Arg; replaces serine 290 with arginine.
Molecular consequence: missense variant.
Genome position (GRCh38, 1-based): chr3:25,633,999, T>G on the plus strand (A>C on the coding strand, the complement: TOP2B is on the minus strand). VCF-style: chr3-25633999-T-G. GRCh37 (hg19) VCF-style: chr3-25675490-T-G.
Other names: c.853A>C, p.Ser285Arg (NM_001068.3); short protein forms S285R, S290R.
Identifiers: ClinVar variation 3672992 (VCV003672992.2).
Genomic context (GRCh38, chr3:25,633,999, plus strand): 5'-TAACTTTCAGGGCCACCCCAGTTTCATCCAATTTGTCTTTCACATAAAGATCTACATAAC[T>G]GCGAAATCCATTTACCTATTAATTTAAAAAACAAAAACAATTAAAAATCTTACACTGGCA-3'
Protein context (NP_001317629.1, residues 280-300): GKKLPVNGFR[Ser290Arg]YVDLYVKDKL